The following is an entry in ClinVar:

ClinVar aggregate classification (germline): Uncertain significance (1 of 4 stars; one submission).

gnomAD v4.1: 11 of 1,614,216 alleles (0.00068%); highest among the groups gnomAD compares: East Asian, 0.022%; no homozygotes.

Submission:

Labcorp Genetics (formerly Invitae), Labcorp
Classification: Uncertain significance. Last evaluated: 2025-08-01. Review status: criteria provided, single submitter. Criteria: Invitae Variant Classification Sherloc (09022015). Collection method: clinical testing. Allele origin: germline.
Comment: This sequence change replaces valine, which is neutral and non-polar, with methionine, which is neutral and non-polar, at codon 752 of the FLNB protein (p.Val752Met). This variant is present in population databases (no rsID available, gnomAD 0.0009%). This variant has not been reported in the literature in individuals affected with FLNB-related conditions. Invitae Evidence Modeling of protein sequence and biophysical properties (such as structural, functional, and spatial information, amino acid conservation, physicochemical variation, residue mobility, and thermodynamic stability) indicates that this missense variant is not expected to disrupt FLNB protein function with a negative predictive value of 95%. In summary, the available evidence is currently insufficient to determine the role of this variant in disease. Therefore, it has been classified as a Variant of Uncertain Significance.

NM_001457.4(FLNB):c.2254G>A (p.Val752Met)

Gene: FLNB (filamin B; plus strand). Cytogenetic location: 3p14.3.
Variant type: single nucleotide variant.
Coding change: c.2254G>A on transcript NM_001457.4 (MANE Select); coding-DNA position 2254, G replaced by A.
Protein change: p.Val752Met; replaces valine 752 with methionine.
Molecular consequence: missense variant.
Genome position (GRCh38, 1-based): chr3:58,109,630, G>A. VCF-style: chr3-58109630-G-A. GRCh37 (hg19) VCF-style: chr3-58095357-G-A.
Other names: c.2254G>A, p.Val752Met (NM_001164317.2, NM_001164318.2, NM_001164319.2); short protein forms V752M.
Identifiers: ClinVar variation 4754580 (VCV004754580.1).